The following is an entry in ClinVar:

NM_000051.4(ATM):c.6650_6651del (p.Asp2216_Phe2217insTer)

Genes: ATM (ATM serine/threonine kinase; plus strand), C11orf65 (chromosome 11 open reading frame 65; minus strand). Cytogenetic location: 11q22.3.
Variant type: Deletion.
Coding change: c.6650_6651del on transcript NM_000051.4 (MANE Select); coding-DNA positions 6650 to 6651, 2 bases deleted (TT; older notation c.6650_6651delTT).
Protein change: p.Asp2216_Phe2217insTer.
Molecular consequence: nonsense. On other transcripts: intron variant (2).
Genome position (GRCh38, 1-based): chr11:108,325,387-108,325,388, TT deleted; deleting any 2 consecutive bases within chr11:108,325,385-108,325,388 gives the same sequence; the c. name uses the placement nearest the transcript's 3' end. VCF-style (leftmost placement, unchanged base first): chr11-108325384-ATT-A. GRCh37 (hg19) VCF-style: chr11-108196111-ATT-A.
Other names: c.6650_6651del, p.Asp2216_Phe2217insTer (NM_001351834.2); c.641-16315_641-16314del (NM_001330368.2); c.*38+9834_*38+9835del (NM_001351110.2).
Identifiers: ClinVar variation 1754694 (VCV001754694.2), dbSNP rs2547201590, ClinGen allele CA2580083043.

ClinVar aggregate classification (germline): Pathogenic (1 of 4 stars; one submission).

Conditions:
Hereditary cancer-predisposing syndrome. Also called: Hereditary neoplastic syndrome; Neoplastic Syndromes, Hereditary; Tumor predisposition; Hereditary Cancer Syndrome. Identifiers: Orphanet 140162, MedGen C0027672, MeSH D009386, MONDO:0015356.

Submission:

Ambry Genetics
Classification: Pathogenic for Hereditary cancer-predisposing syndrome. Last evaluated: 2016-09-23. Review status: criteria provided, single submitter. Criteria: Ambry Variant Classification Scheme 2023. Collection method: clinical testing. Allele origin: germline.
Comment: The c.6650_6651delTT pathogenic mutation, located in coding exon 45 of the ATM gene, results from a deletion of two nucleotides at nucleotide positions 6650 to 6651, causing a translational frameshift with a predicted alternate stop codon (p.F2217*). This alteration is expected to result in loss of function by premature protein truncation or nonsense-mediated mRNA decay. As such, this alteration is interpreted as a disease-causing mutation.